The following is an entry in ClinVar:

NM_000426.4(LAMA2):c.7928_7929del (p.Arg2643fs)

Gene: LAMA2 (laminin subunit alpha 2; plus strand). Cytogenetic location: 6q22.33.
Variant type: Deletion.
Coding change: c.7928_7929del on transcript NM_000426.4 (MANE Select); coding-DNA positions 7928 to 7929, 2 bases deleted (GA; older notation c.7928_7929delGA).
Protein change: p.Arg2643fs; shifts the reading frame from arginine 2643.
Molecular consequence: frameshift variant.
Genome position (GRCh38, 1-based): chr6:129,491,930-129,491,931, GA deleted; deleting any 2 consecutive bases within chr6:129,491,929-129,491,931 gives the same sequence; the c. name uses the placement nearest the transcript's 3' end. VCF-style (leftmost placement, unchanged base first): chr6-129491928-CAG-C. GRCh37 (hg19) VCF-style: chr6-129813073-CAG-C.
Other names: c.7916_7917del, p.Arg2639fs (NM_001079823.2); short protein forms R2639fs, R2643fs.
Identifiers: ClinVar variation 2849660 (VCV002849660.3), dbSNP rs2533503977, ClinGen allele CA2739266131.

ClinVar aggregate classification (germline): Pathogenic (1 of 4 stars; one submission).

Conditions:
LAMA2-related muscular dystrophy (LAMA2-RD). Also called: Laminin alpha 2-related dystrophy. Identifiers: MedGen C5679788, MONDO:0100228.

Submission:

Labcorp Genetics (formerly Invitae), Labcorp
Classification: Pathogenic for LAMA2-related muscular dystrophy. Last evaluated: 2023-03-26. Review status: criteria provided, single submitter. Criteria: Invitae Variant Classification Sherloc (09022015). Collection method: clinical testing. Allele origin: germline.
Comment: For these reasons, this variant has been classified as Pathogenic. This variant has not been reported in the literature in individuals affected with LAMA2-related conditions. This variant is not present in population databases (gnomAD no frequency). This sequence change creates a premature translational stop signal (p.Arg2643Lysfs*9) in the LAMA2 gene. It is expected to result in an absent or disrupted protein product. Loss-of-function variants in LAMA2 are known to be pathogenic (PMID: 18700894, 32904964).

Literature cited by the submitters: PubMed 18700894; PubMed 32904964.